The following is an entry in ClinVar:

NM_001189.4(NKX3-2):c.466+4T>G

Gene: NKX3-2 (NK3 homeobox 2; minus strand). Cytogenetic location: 4p15.33.
Variant type: single nucleotide variant.
Coding change: c.466+4T>G on transcript NM_001189.4 (MANE Select); 4 bases into the intron after coding-DNA position 466, T replaced by G.
Molecular consequence: intron variant.
Genome position (GRCh38, 1-based): chr4:13,543,945, A>C on the plus strand (T>G on the coding strand, the complement: NKX3-2 is on the minus strand). VCF-style: chr4-13543945-A-C. GRCh37 (hg19) VCF-style: chr4-13545569-A-C.
Identifiers: ClinVar variation 1051207 (VCV001051207.6), dbSNP rs771302817, ClinGen allele CA2860393.

ClinVar aggregate classification (germline): Uncertain significance (1 of 4 stars; one submission).

Allele frequency attached by ClinVar (database versions not stated): gnomAD 0.00001; gnomAD exomes 0.00002 and 0.00007; TOPMed 0.00002; ExAC 0.00021.
gnomAD v4.1: 12 of 1,540,948 alleles (0.00078%); highest among the groups gnomAD compares: Admixed American, 0.023%; no homozygotes.

Submission:

Labcorp Genetics (formerly Invitae), Labcorp
Classification: Uncertain significance. Last evaluated: 2024-11-04. Review status: criteria provided, single submitter. Criteria: Invitae Variant Classification Sherloc (09022015). Collection method: clinical testing. Allele origin: germline.
Comment: This sequence change falls in intron 1 of the NKX3-2 gene. It does not directly change the encoded amino acid sequence of the NKX3-2 protein. It affects a nucleotide within the consensus splice site. This variant is present in population databases (rs771302817, gnomAD 0.03%). This variant has not been reported in the literature in individuals affected with NKX3-2-related conditions. ClinVar contains an entry for this variant (Variation ID: 1051207). Variants that disrupt the consensus splice site are a relatively common cause of aberrant splicing (PMID: 17576681, 9536098). Algorithms developed to predict the effect of sequence changes on RNA splicing suggest that this variant is not likely to affect RNA splicing. In summary, the available evidence is currently insufficient to determine the role of this variant in disease. Therefore, it has been classified as a Variant of Uncertain Significance.

Literature cited by the submitters: PubMed 17576681; PubMed 9536098.